The following is an entry in ClinVar:

ClinVar aggregate classification (germline): Uncertain significance (1 of 4 stars; one submission).

Conditions:
Nephronophthisis. Also called: Juvenile Nephronophthisis. Identifiers: Orphanet 655, MedGen C0687120, MONDO:0019005, HP:0000090.

Allele frequency attached by ClinVar (database versions not stated): gnomAD exomes below 0.00001; gnomAD 0.00002; TOPMed 0.00002.
gnomAD v4.1: 6 of 1,600,512 alleles (0.00037%); highest among the groups gnomAD compares: East Asian, 0.0045%; no homozygotes.

Submission:

Labcorp Genetics (formerly Invitae), Labcorp
Classification: Uncertain significance for Nephronophthisis. Last evaluated: 2024-02-24. Review status: criteria provided, single submitter. Criteria: Invitae Variant Classification Sherloc (09022015). Collection method: clinical testing. Allele origin: germline.
Comment: This sequence change replaces arginine, which is basic and polar, with histidine, which is basic and polar, at codon 232 of the NPHP4 protein (p.Arg232His). The frequency data for this variant in the population databases is considered unreliable, as metrics indicate poor data quality at this position in the gnomAD database. This variant has not been reported in the literature in individuals affected with NPHP4-related conditions. ClinVar contains an entry for this variant (Variation ID: 956008). Advanced modeling of protein sequence and biophysical properties (such as structural, functional, and spatial information, amino acid conservation, physicochemical variation, residue mobility, and thermodynamic stability) has been performed at Invitae for this missense variant, however the output from this modeling did not meet the statistical confidence thresholds required to predict the impact of this variant on NPHP4 protein function. In summary, the available evidence is currently insufficient to determine the role of this variant in disease. Therefore, it has been classified as a Variant of Uncertain Significance.

NM_015102.5(NPHP4):c.695G>A (p.Arg232His)

Gene: NPHP4 (nephrocystin 4; minus strand). Cytogenetic location: 1p36.31.
Variant type: single nucleotide variant.
Coding change: c.695G>A on transcript NM_015102.5 (MANE Select); coding-DNA position 695, G replaced by A.
Protein change: p.Arg232His; replaces arginine 232 with histidine.
Molecular consequence: missense variant. On other transcripts: 5 prime UTR variant (1), non-coding transcript variant (1), intron variant (1).
Genome position (GRCh38, 1-based): chr1:5,952,815, C>T on the plus strand (G>A on the coding strand, the complement: NPHP4 is on the minus strand). VCF-style: chr1-5952815-C-T. GRCh37 (hg19) VCF-style: chr1-6012875-C-T.
Other names: c.-672G>A (NM_001291594.2); c.-556-4564G>A (NM_001291593.2); short protein forms R232H.
Identifiers: ClinVar variation 956008 (VCV000956008.9), dbSNP rs1221753633, ClinGen allele CA338067078.
Genomic context (GRCh38, chr1:5,952,815, plus strand): 5'-AGGGAGGGGTACAGGGTGAAGAATAAGTCATCCAAGTGCCCCGTGATGGGCTTCTGGAGG[C>T]GAGGCTTTCGGAGAGCGTCGCCTGAAACAGTGAGGGTGCGAAAAGGGTCATCCTTGGGAA-3'
Protein context (NP_055917.1, residues 222-242): GESGDALRKP[Arg232His]LQKPITGHLD